The following is an entry in ClinVar:

ClinVar aggregate classification (germline): Uncertain significance (1 of 4 stars; one submission).

Conditions:
Intellectual developmental disorder, X-linked, syndromic, Hedera type. Also called: Syndromic X-linked intellectual disability Hedera type. Identifiers: Orphanet 93952, MedGen C1845543, MONDO:0010319, OMIM 300423.

gnomAD v4.1: 31 of 1,209,394 alleles (0.0026%); highest among the groups gnomAD compares: Non-Finnish European, 0.0034%; no homozygotes.

Submission:

Labcorp Genetics (formerly Invitae), Labcorp
Classification: Uncertain significance for Intellectual developmental disorder, X-linked, syndromic, Hedera type. Last evaluated: 2025-06-09. Review status: criteria provided, single submitter. Criteria: Invitae Variant Classification Sherloc (09022015). Collection method: clinical testing. Allele origin: germline.
Comment: This sequence change replaces tyrosine, which is neutral and polar, with phenylalanine, which is neutral and non-polar, at codon 96 of the ATP6AP2 protein (p.Tyr96Phe). This variant is present in population databases (no rsID available, gnomAD 0.02%). This variant has not been reported in the literature in individuals affected with ATP6AP2-related conditions. Invitae Evidence Modeling of protein sequence and biophysical properties (such as structural, functional, and spatial information, amino acid conservation, physicochemical variation, residue mobility, and thermodynamic stability) indicates that this missense variant is not expected to disrupt ATP6AP2 protein function with a negative predictive value of 80%. In summary, the available evidence is currently insufficient to determine the role of this variant in disease. Therefore, it has been classified as a Variant of Uncertain Significance.

NM_005765.3(ATP6AP2):c.287A>T (p.Tyr96Phe)

Gene: ATP6AP2 (ATPase H+ transporting accessory protein 2; plus strand). Cytogenetic location: Xp11.4.
Variant type: single nucleotide variant.
Coding change: c.287A>T on transcript NM_005765.3 (MANE Select); coding-DNA position 287, A replaced by T.
Protein change: p.Tyr96Phe; replaces tyrosine 96 with phenylalanine.
Molecular consequence: missense variant.
Genome position (GRCh38, 1-based): chrX:40,591,352, A>T. VCF-style: chrX-40591352-A-T. GRCh37 (hg19) VCF-style: chrX-40450604-A-T.
Other names: short protein forms Y96F.
Identifiers: ClinVar variation 4740758 (VCV004740758.1).